The following is an entry in ClinVar:

NM_004281.4(BAG3):c.776C>T (p.Pro259Leu)

Gene: BAG3 (BAG cochaperone 3; plus strand). Cytogenetic location: 10q26.11.
Variant type: single nucleotide variant.
Coding change: c.776C>T on transcript NM_004281.4 (MANE Select); coding-DNA position 776, C replaced by T.
Protein change: p.Pro259Leu; replaces proline 259 with leucine.
Molecular consequence: missense variant.
Genome position (GRCh38, 1-based): chr10:119,672,523, C>T. VCF-style: chr10-119672523-C-T. GRCh37 (hg19) VCF-style: chr10-121432035-C-T.
Other names: short protein forms P259L.
Identifiers: ClinVar variation 649751 (VCV000649751.7), dbSNP rs757710876, ClinGen allele CA5716409.

ClinVar aggregate classification (germline): Uncertain significance. Review status: criteria provided, multiple submitters, no conflicts (2 of 4 stars). 2 submissions from 2 submitters: Uncertain significance (2). Last evaluated 2025-04-07.

Conditions:
Myofibrillar myopathy 6. Identifiers: Orphanet 199340, MedGen C2751831, MONDO:0013061, OMIM 612954.
Dilated cardiomyopathy 1HH (CMD1HH). Identifiers: Orphanet 154, MedGen C3151293, MONDO:0013479, OMIM 613881.

Allele frequency attached by ClinVar (database versions not stated): gnomAD exomes below 0.00001; TOPMed below 0.00001; ExAC 0.00001.
gnomAD v4.1: 5 of 1,614,042 alleles (0.00031%); highest among the groups gnomAD compares: African/African-American, 0.0013%; no homozygotes.

Submissions (2):

GeneDx
Classification: Uncertain significance. Last evaluated: 2025-04-07. Review status: criteria provided, single submitter. Criteria: GeneDx Variant Classification Process June 2021. Collection method: clinical testing. Allele origin: germline. Affected: yes.
Comment: Not observed at significant frequency in large population cohorts (gnomAD); In silico analysis supports that this missense variant has a deleterious effect on protein structure/function; Has not been previously published as pathogenic or benign to our knowledge

Labcorp Genetics (formerly Invitae), Labcorp
Classification: Uncertain significance for Dilated cardiomyopathy 1HH; Myofibrillar myopathy 6. Last evaluated: 2023-09-30. Review status: criteria provided, single submitter. Criteria: Invitae Variant Classification Sherloc (09022015). Collection method: clinical testing. Allele origin: germline.
Comment: This sequence change replaces proline, which is neutral and non-polar, with leucine, which is neutral and non-polar, at codon 259 of the BAG3 protein (p.Pro259Leu). This variant is present in population databases (rs757710876, gnomAD 0.0009%). This variant has not been reported in the literature in individuals affected with BAG3-related conditions. ClinVar contains an entry for this variant (Variation ID: 649751). Advanced modeling of protein sequence and biophysical properties (such as structural, functional, and spatial information, amino acid conservation, physicochemical variation, residue mobility, and thermodynamic stability) performed at Invitae indicates that this missense variant is not expected to disrupt BAG3 protein function. In summary, the available evidence is currently insufficient to determine the role of this variant in disease. Therefore, it has been classified as a Variant of Uncertain Significance.